The following is an entry in ClinVar:

ClinVar aggregate classification (germline): Uncertain significance (1 of 4 stars; one submission).

Conditions:
Cardiovascular phenotype. Identifiers: MedGen CN230736.

gnomAD v4.1: 10 of 1,613,802 alleles (0.00062%); highest among the groups gnomAD compares: Non-Finnish European, 0.00085%; no homozygotes.

Submission:

Ambry Genetics
Classification: Uncertain significance for Cardiovascular phenotype. Last evaluated: 2024-05-02. Review status: criteria provided, single submitter. Criteria: Ambry Variant Classification Scheme 2023. Collection method: clinical testing. Allele origin: germline.
Comment: The p.R39P variant (also known as c.116G>C), located in coding exon 2 of the LDLRAP1 gene, results from a G to C substitution at nucleotide position 116. The arginine at codon 39 is replaced by proline, an amino acid with dissimilar properties. This amino acid position is conserved. In addition, the in silico prediction for this alteration is inconclusive. Based on the available evidence, the clinical significance of this variant remains unclear.

NM_015627.3(LDLRAP1):c.116G>C (p.Arg39Pro)

Gene: LDLRAP1 (low density lipoprotein receptor adaptor protein 1; plus strand). Cytogenetic location: 1p36.11.
Variant type: single nucleotide variant.
Coding change: c.116G>C on transcript NM_015627.3 (MANE Select); coding-DNA position 116, G replaced by C.
Protein change: p.Arg39Pro; replaces arginine 39 with proline.
Molecular consequence: missense variant.
Genome position (GRCh38, 1-based): chr1:25,553,949, G>C. VCF-style: chr1-25553949-G-C. GRCh37 (hg19) VCF-style: chr1-25880440-G-C.
Other names: short protein forms R39P.
Identifiers: ClinVar variation 3290417 (VCV003290417.1).